The following is an entry in ClinVar:

NM_207122.2(EXT2):c.181C>T (p.Arg61Cys)

Gene: EXT2 (exostosin glycosyltransferase 2; plus strand). Cytogenetic location: 11p11.2.
Variant type: single nucleotide variant.
Coding change: c.181C>T on transcript NM_207122.2 (MANE Select); coding-DNA position 181, C replaced by T.
Protein change: p.Arg61Cys; replaces arginine 61 with cysteine.
Molecular consequence: missense variant.
Genome position (GRCh38, 1-based): chr11:44,107,893, C>T. VCF-style: chr11-44107893-C-T. GRCh37 (hg19) VCF-style: chr11-44129443-C-T.
Other names: c.280C>T, p.Arg94Cys (NM_000401.3); c.181C>T, p.Arg61Cys (NM_001178083.3, NM_001389628.1, NM_001389630.1); short protein forms R61C, R94C.
Identifiers: ClinVar variation 3377770 (VCV003377770.3).
Genomic context (GRCh38, chr11:44,107,893, plus strand): 5'-GGCATGTTTCAGTTTTGGCCCCATTCTATCGAGTCCTCAAATGACTGGAATGTAGAGAAG[C>T]GCAGCATCCGTGATGTGCCGGTTGTTAGGCTGCCAGCCGACAGTCCCATCCCAGAGCGGG-3'
Protein context (NP_997005.1, residues 51-71): ESSNDWNVEK[Arg61Cys]SIRDVPVVRL

ClinVar aggregate classification (germline): Uncertain significance. Review status: criteria provided, multiple submitters, no conflicts (2 of 4 stars). 2 submissions from 2 submitters: Uncertain significance (2). Last evaluated 2024-10-22.

Conditions:
Exostoses, multiple, type 2 (EXT2). Also called: Hereditary Multiple Osteochondromatosis, Type II; EXOSTOSES, MULTIPLE, TYPE II. Identifiers: Orphanet 321, MedGen C1851413, MONDO:0007586, OMIM 133701.

gnomAD v4.1: 14 of 1,614,080 alleles (0.00087%); highest among the groups gnomAD compares: Non-Finnish European, 0.0011%; no homozygotes.

Submissions (2):

Labcorp Genetics (formerly Invitae), Labcorp
Classification: Uncertain significance for Exostoses, multiple, type 2. Last evaluated: 2024-10-22. Review status: criteria provided, single submitter. Criteria: Invitae Variant Classification Sherloc (09022015). Collection method: clinical testing. Allele origin: germline.
Comment: This sequence change replaces arginine, which is basic and polar, with cysteine, which is neutral and slightly polar, at codon 61 of the EXT2 protein (p.Arg61Cys). This variant is present in population databases (rs373148112, gnomAD 0.003%). This variant has not been reported in the literature in individuals affected with EXT2-related conditions. Invitae Evidence Modeling of protein sequence and biophysical properties (such as structural, functional, and spatial information, amino acid conservation, physicochemical variation, residue mobility, and thermodynamic stability) indicates that this missense variant is not expected to disrupt EXT2 protein function with a negative predictive value of 95%. In summary, the available evidence is currently insufficient to determine the role of this variant in disease. Therefore, it has been classified as a Variant of Uncertain Significance.

St. Jude Molecular Pathology, St. Jude Children's Research Hospital
Classification: Uncertain significance for Exostoses, multiple, type 2. Last evaluated: 2024-02-06. Review status: criteria provided, single submitter. Criteria: St. Jude Assertion Criteria 2020. Collection method: clinical testing. Allele origin: germline.
Comment: The EXT2 c.280C>T (p.Arg94Cys) missense change has a maximum subpopulation frequency of 0.003% in gnomAD v2.1.1. The in silico tool REVEL is inconclusive about a pathogenic or benign effect of this variant on protein function, and functional studies have not been performed. This variant does not occur within a functional domain of the exostosin-2 protein and it has not been reported in individuals with hereditary multiple exostoses.? In summary, the evidence currently available is insufficient to determine the clinical significance of this variant. It has therefore been classified as of uncertain significance.?